The following is an entry in ClinVar:

ClinVar aggregate classification (germline): Uncertain significance (1 of 4 stars; one submission).

Submission:

GeneDx
Classification: Uncertain significance. Last evaluated: 2025-06-24. Review status: criteria provided, single submitter. Criteria: GeneDx Variant Classification Process June 2021. Collection method: clinical testing. Allele origin: germline. Affected: yes.
Comment: Not observed at significant frequency in large population cohorts (gnomAD); Has not been previously published as pathogenic or benign to our knowledge; In silico analysis suggests this variant may impact gene splicing. In the absence of RNA/functional studies, the actual effect of this sequence change is unknown.

NM_001256627.2(BRSK2):c.565-6C>A

Gene: BRSK2 (BR serine/threonine kinase 2; plus strand). Cytogenetic location: 11p15.5.
Variant type: single nucleotide variant.
Coding change: c.565-6C>A on transcript NM_001256627.2 (MANE Select); 6 bases into the intron before coding-DNA position 565, C replaced by A.
Molecular consequence: intron variant.
Genome position (GRCh38, 1-based): chr11:1,443,329, C>A. VCF-style: chr11-1443329-C-A. GRCh37 (hg19) VCF-style: chr11-1464559-C-A.
Other names: c.565-6C>A (NM_001440665.1, NM_001440668.1, NM_001440670.1 and 3 more transcripts); c.385-6C>A (NM_001440674.1, NM_001440671.1, NM_001440672.1 and 5 more transcripts); c.703-6C>A (NM_001256630.1, NM_001440667.1).
Identifiers: ClinVar variation 4540356 (VCV004540356.1).